The following is an entry in ClinVar:

ClinVar aggregate classification (germline): Uncertain significance. Review status: criteria provided, multiple submitters, no conflicts (2 of 4 stars). 2 submissions from 2 submitters: Uncertain significance (2). Last evaluated 2026-08-28.

Conditions:
Familial adenomatous polyposis 2. Also called: MYH-associated polyposis; MUTYH-associated polyposis; MUTYH-related attenuated familial adenomatous polyposis; COLORECTAL ADENOMATOUS POLYPOSIS, AUTOSOMAL RECESSIVE; ADENOMAS, MULTIPLE COLORECTAL, AUTOSOMAL RECESSIVE; FAP type 2. Identifiers: Orphanet 220460, Orphanet 247798, MedGen C3272841, MONDO:0012041, OMIM 608456.
Hereditary cancer-predisposing syndrome. Also called: Hereditary Cancer Syndrome; Hereditary neoplastic syndrome; Neoplastic Syndromes, Hereditary; Tumor predisposition. Identifiers: Orphanet 140162, MedGen C0027672, MeSH D009386, MONDO:0015356.

Submissions (2):

Ambry Genetics
Classification: Uncertain significance for Hereditary cancer-predisposing syndrome. Last evaluated: 2026-08-28. Review status: criteria provided, single submitter. Criteria: Ambry Variant Classification Scheme 2023. Collection method: clinical testing. Allele origin: germline.
Comment: The p.A399V variant (also known as c.1196C>T), located in coding exon 13 of the MUTYH gene, results from a C to T substitution at nucleotide position 1196. The alanine at codon 399 is replaced by valine, an amino acid with similar properties. In a massively parallel cell-based functional assay testing 7,8-dihydro-8-oxoguanine:adenine (8OG:A) repair activity, a byproduct of oxidative damage, this variant was reported to be non-functional (Hemker SL et al. Am J Hum Genet, 2025 Sep;112:2010-2026). This amino acid position is highly conserved in available vertebrate species. In addition, this alteration is predicted to be deleterious by in silico analysis. Based on the available evidence, the clinical significance of this variant remains unclear.

Labcorp Genetics (formerly Invitae), Labcorp
Classification: Uncertain significance for Familial adenomatous polyposis 2. Last evaluated: 2024-09-30. Review status: criteria provided, single submitter. Criteria: Invitae Variant Classification Sherloc (09022015). Collection method: clinical testing. Allele origin: germline.
Comment: This sequence change replaces alanine, which is neutral and non-polar, with valine, which is neutral and non-polar, at codon 399 of the MUTYH protein (p.Ala399Val). This variant is not present in population databases (gnomAD no frequency). This variant has not been reported in the literature in individuals affected with MUTYH-related conditions. ClinVar contains an entry for this variant (Variation ID: 2447314). An algorithm developed to predict the effect of missense changes on protein structure and function (PolyPhen-2) suggests that this variant is likely to be disruptive. In summary, the available evidence is currently insufficient to determine the role of this variant in disease. Therefore, it has been classified as a Variant of Uncertain Significance.

Literature cited by the submitters: PubMed 40738107 (cited by Ambry Genetics).

NM_001048174.2(MUTYH):c.1112C>T (p.Ala371Val)

Gene: MUTYH (mutY DNA glycosylase; minus strand). Cytogenetic location: 1p34.1.
Variant type: single nucleotide variant.
Coding change: c.1112C>T on transcript NM_001048174.2 (MANE Select); coding-DNA position 1112, C replaced by T.
Protein change: p.Ala371Val; replaces alanine 371 with valine.
Molecular consequence: missense variant. On other transcripts: non-coding transcript variant (7).
Genome position (GRCh38, 1-based): chr1:45,331,547, G>A on the plus strand (C>T on the coding strand, the complement: MUTYH is on the minus strand). VCF-style: chr1-45331547-G-A. GRCh37 (hg19) VCF-style: chr1-45797219-G-A.
Other names: c.767C>T, p.Ala256Val (NM_001350650.2, NM_001350651.2, NM_001407082.1); c.1145C>T, p.Ala382Val (NM_001407069.1, NM_001407077.1, NM_001293191.2); c.1112C>T, p.Ala371Val (NM_001407070.1, NM_001407072.1, NM_001407073.1 and 6 more transcripts); c.1115C>T, p.Ala372Val (NM_001407071.1, NM_001407078.1, NM_001048172.2 and 1 more transcripts); c.1028C>T, p.Ala343Val (NM_001407075.1); c.836C>T, p.Ala279Val (NM_001407091.1, NM_001293192.2, NM_001293196.2); c.1187C>T, p.Ala396Val (NM_012222.3); c.1196C>T, p.Ala399Val (NM_001128425.2); and 5 more; short protein forms A372V, A385V, A358V, A382V, A396V, A256V, A371V, A378V.
Identifiers: ClinVar variation 2447314 (VCV002447314.5), dbSNP rs2149121890, ClinGen allele CA340133165.